The following is an entry in ClinVar:

NM_020461.4(TUBGCP6):c.991C>T (p.Leu331Phe)

Gene: TUBGCP6 (tubulin gamma complex component 6; minus strand). Cytogenetic location: 22q13.33.
Variant type: single nucleotide variant.
Coding change: c.991C>T on transcript NM_020461.4 (MANE Select); coding-DNA position 991, C replaced by T.
Protein change: p.Leu331Phe; replaces leucine 331 with phenylalanine.
Molecular consequence: missense variant.
Genome position (GRCh38, 1-based): chr22:50,233,441, G>A on the plus strand (C>T on the coding strand, the complement: TUBGCP6 is on the minus strand). VCF-style: chr22-50233441-G-A. GRCh37 (hg19) VCF-style: chr22-50671870-G-A.
Other names: c.991C>T (NM_020461.3); short protein forms L331F.
Identifiers: ClinVar variation 1025294 (VCV001025294.8), dbSNP rs774687956, ClinGen allele CA10308864.
Genomic context (GRCh38, chr22:50,233,441, plus strand): 5'-CGCACTCCTTCACCAGCACGGGCTGCGGGGCCTGTAGGACGCCCCCAGCAAGCAGCTGGA[G>A]CTCCCCTTGGTGGAGCCTGCAGAACTTGTCGAAAGCGTCCCTTCCCGCCTCCGTCAGGTA-3'
Protein context (NP_065194.3, residues 321-341): DKFCRLHQGE[Leu331Phe]QLLAGGVLQA

ClinVar aggregate classification (germline): Uncertain significance. Review status: criteria provided, multiple submitters, no conflicts (2 of 4 stars). 4 submissions from 4 submitters: Uncertain significance (4). Last evaluated 2025-01-22.

Conditions:
Inborn genetic diseases. Identifiers: MedGen C0950123, MeSH D030342.

Allele frequency attached by ClinVar (database versions not stated): gnomAD 0.00003 and 0.00004; TOPMed 0.00005; ExAC 0.00005; gnomAD exomes 0.00002.
gnomAD v4.1: 41 of 1,613,496 alleles (0.0025%); highest among the groups gnomAD compares: Middle Eastern, 0.033%; no homozygotes.

Submissions (4):

Ambry Genetics
Classification: Uncertain significance for Inborn genetic diseases. Last evaluated: 2025-01-22. Review status: criteria provided, single submitter. Criteria: Ambry Variant Classification Scheme 2023. Collection method: clinical testing. Allele origin: germline.

Labcorp Genetics (formerly Invitae), Labcorp
Classification: Uncertain significance. Last evaluated: 2022-08-23. Review status: criteria provided, single submitter. Criteria: Invitae Variant Classification Sherloc (09022015). Collection method: clinical testing. Allele origin: germline.
Comment: This sequence change replaces leucine, which is neutral and non-polar, with phenylalanine, which is neutral and non-polar, at codon 331 of the TUBGCP6 protein (p.Leu331Phe). This variant is present in population databases (rs774687956, gnomAD 0.006%). This variant has not been reported in the literature in individuals affected with TUBGCP6-related conditions. ClinVar contains an entry for this variant (Variation ID: 1025294). Algorithms developed to predict the effect of missense changes on protein structure and function are either unavailable or do not agree on the potential impact of this missense change (SIFT: "Deleterious"; PolyPhen-2: "Probably Damaging"; Align-GVGD: "Class C0"). In summary, the available evidence is currently insufficient to determine the role of this variant in disease. Therefore, it has been classified as a Variant of Uncertain Significance.

Blueprint Genetics
Classification: Uncertain significance. Last evaluated: 2021-07-30. Review status: criteria provided, single submitter. Criteria: ACMG Guidelines, 2015. Collection method: clinical testing. Allele origin: germline.

Breakthrough Genomics
Classification: Uncertain significance. Review status: criteria provided, single submitter. Criteria: ACMG Guidelines, 2015. Collection method: not provided. Allele origin: germline. Inheritance: Autosomal dominant inheritance. Affected: yes.